The following is an entry in ClinVar:

NM_003742.4(ABCB11):c.76T>C (p.Tyr26His)

Gene: ABCB11 (ATP binding cassette subfamily B member 11; minus strand). Cytogenetic location: 2q31.1.
Variant type: single nucleotide variant.
Coding change: c.76T>C on transcript NM_003742.4 (MANE Select); coding-DNA position 76, T replaced by C.
Protein change: p.Tyr26His; replaces tyrosine 26 with histidine.
Molecular consequence: missense variant.
Genome position (GRCh38, 1-based): chr2:169,018,050, A>G on the plus strand (T>C on the coding strand, the complement: ABCB11 is on the minus strand). VCF-style: chr2-169018050-A-G. GRCh37 (hg19) VCF-style: chr2-169874560-A-G.
Other names: short protein forms Y26H.
Identifiers: ClinVar variation 5002425 (VCV005002425.1).

ClinVar aggregate classification (germline): Uncertain significance (1 of 4 stars; one submission).

Conditions:
ABCB11-related disorder. Also called: ABCB11-related condition.

gnomAD v4.1: 18 of 1,612,552 alleles (0.0011%); highest among the groups gnomAD compares: Non-Finnish European, 0.0015%; no homozygotes.

Submission:

PreventionGenetics, part of Exact Sciences
Classification: Uncertain significance for ABCB11-related condition. Last evaluated: 2025-12-30. Review status: criteria provided, single submitter. Criteria: ACMG Guidelines, 2015. Collection method: clinical testing. Allele origin: germline.
Comment: The ABCB11 c.76T>C variant is predicted to result in the amino acid substitution p.Tyr26His. To our knowledge, this variant has not been reported in the literature. This variant is reported in 0.00089% of alleles in individuals of European (Non-Finnish) descent in gnomAD. At this time, the clinical significance of this variant is uncertain due to the absence of conclusive functional and genetic evidence.